The following is an entry in ClinVar:

NM_007315.4(STAT1):c.295A>G (p.Ile99Val)

Gene: STAT1 (signal transducer and activator of transcription 1; minus strand). Cytogenetic location: 2q32.2.
Variant type: single nucleotide variant.
Coding change: c.295A>G on transcript NM_007315.4 (MANE Select); coding-DNA position 295, A replaced by G.
Protein change: p.Ile99Val; replaces isoleucine 99 with valine.
Molecular consequence: missense variant.
Genome position (GRCh38, 1-based): chr2:191,007,640, T>C on the plus strand (A>G on the coding strand, the complement: STAT1 is on the minus strand). VCF-style: chr2-191007640-T-C. GRCh37 (hg19) VCF-style: chr2-191872366-T-C.
Other names: c.295A>G, p.Ile99Val (NM_001384880.1, NM_001384882.1, NM_001384883.1 and 7 more transcripts); c.301A>G, p.Ile101Val (NM_001384881.1, NM_001384884.1); c.331A>G, p.Ile111Val (NM_001384891.1); short protein forms I99V, I101V, I111V.
Identifiers: ClinVar variation 2935324 (VCV002935324.3), dbSNP rs1694805838, ClinGen allele CA349927374.

ClinVar aggregate classification (germline): Uncertain significance (1 of 4 stars; one submission).

Conditions:
Mendelian susceptibility to mycobacterial diseases due to partial STAT1 deficiency. Also called: IMMUNODEFICIENCY 31A, MYCOBACTERIOSIS, AUTOSOMAL DOMINANT; STAT1 DEFICIENCY, AUTOSOMAL DOMINANT; Immunodeficiency 31a. Identifiers: Orphanet 319595, MedGen C4013950, MONDO:0013956, OMIM 614892.
Immunodeficiency 31B. Also called: STAT1 DEFICIENCY, AUTOSOMAL RECESSIVE; IMMUNODEFICIENCY 31B, MYCOBACTERIAL AND VIRAL INFECTIONS, AUTOSOMAL RECESSIVE. Identifiers: Orphanet 391311, MedGen C3151088, MONDO:0013427, OMIM 613796.
Autoimmune enteropathy and endocrinopathy - susceptibility to chronic infections syndrome. Also called: Immunodeficiency 31C, autosomal dominant; Immunodeficiency 31C. Identifiers: Orphanet 391487, MedGen C3279990, MONDO:0013599, OMIM 614162.

Allele frequency attached by ClinVar (database versions not stated): TOPMed below 0.00001; gnomAD 0.00001; gnomAD exomes 0.00001.
gnomAD v4.1: 8 of 1,613,376 alleles (0.0005%); highest among the groups gnomAD compares: Non-Finnish European, 0.00068%; no homozygotes.

Submission:

Labcorp Genetics (formerly Invitae), Labcorp
Classification: Uncertain significance for Mendelian susceptibility to mycobacterial diseases due to partial STAT1 deficiency; Immunodeficiency 31B; Autoimmune enteropathy and endocrinopathy - susceptibility to chronic infections syndrome. Last evaluated: 2023-03-24. Review status: criteria provided, single submitter. Criteria: Invitae Variant Classification Sherloc (09022015). Collection method: clinical testing. Allele origin: germline.
Comment: This sequence change replaces isoleucine, which is neutral and non-polar, with valine, which is neutral and non-polar, at codon 99 of the STAT1 protein (p.Ile99Val). This variant is not present in population databases (gnomAD no frequency). This variant has not been reported in the literature in individuals affected with STAT1-related conditions. Algorithms developed to predict the effect of missense changes on protein structure and function output the following: SIFT: "Not Available"; PolyPhen-2: "Benign"; Align-GVGD: "Not Available". The valine amino acid residue is found in multiple mammalian species, which suggests that this missense change does not adversely affect protein function. In summary, the available evidence is currently insufficient to determine the role of this variant in disease. Therefore, it has been classified as a Variant of Uncertain Significance.